The following is an entry in ClinVar:

ClinVar aggregate classification (germline): Uncertain significance (1 of 4 stars; one submission).

Conditions:
Inborn genetic diseases. Identifiers: MedGen C0950123, MeSH D030342.

Allele frequency attached by ClinVar (database versions not stated): ExAC 0.00003.
gnomAD v4.1: 18 of 1,613,878 alleles (0.0011%); highest among the groups gnomAD compares: South Asian, 0.014%; no homozygotes.

Submission:

Ambry Genetics
Classification: Uncertain significance for Inborn genetic diseases. Last evaluated: 2024-10-12. Review status: criteria provided, single submitter. Criteria: Ambry Variant Classification Scheme 2023. Collection method: clinical testing. Allele origin: germline.
Comment: The p.C353Y variant (also known as c.1058G>A), located in coding exon 9 of the LRRK2 gene, results from a G to A substitution at nucleotide position 1058. The cysteine at codon 353 is replaced by tyrosine, an amino acid with highly dissimilar properties. This amino acid position is conserved. In addition, the in silico prediction for this alteration is inconclusive. Since supporting evidence is limited at this time, the clinical significance of this alteration remains unclear.

NM_198578.4(LRRK2):c.1058G>A (p.Cys353Tyr)

Gene: LRRK2 (leucine rich repeat kinase 2; plus strand). Cytogenetic location: 12q12.
Variant type: single nucleotide variant.
Coding change: c.1058G>A on transcript NM_198578.4 (MANE Select); coding-DNA position 1058, G replaced by A.
Protein change: p.Cys353Tyr; replaces cysteine 353 with tyrosine.
Molecular consequence: missense variant.
Genome position (GRCh38, 1-based): chr12:40,251,331, G>A. VCF-style: chr12-40251331-G-A. GRCh37 (hg19) VCF-style: chr12-40645133-G-A.
Other names: short protein forms C353Y.
Identifiers: ClinVar variation 1779223 (VCV001779223.3), dbSNP rs747741340, ClinGen allele CA6513263.